The following is an entry in ClinVar:

ClinVar aggregate classification (germline): Uncertain significance (1 of 4 stars; one submission).

gnomAD v4.1: 3 of 1,613,934 alleles (0.00019%); highest among the groups gnomAD compares: Non-Finnish European, 0.00025%; no homozygotes.

Submission:

Labcorp Genetics (formerly Invitae), Labcorp
Classification: Uncertain significance. Last evaluated: 2021-09-17. Review status: criteria provided, single submitter. Criteria: Invitae Variant Classification Sherloc (09022015). Collection method: clinical testing. Allele origin: germline.
Comment: This sequence change replaces arginine with serine at codon 694 of the PCDH15 protein (p.Arg694Ser). The arginine residue is highly conserved and there is a moderate physicochemical difference between arginine and serine. This variant is not present in population databases (ExAC no frequency). This variant has not been reported in the literature in individuals with PCDH15-related conditions. Algorithms developed to predict the effect of missense changes on protein structure and function (SIFT, PolyPhen-2, Align-GVGD) all suggest that this variant is likely to be tolerated, but these predictions have not been confirmed by published functional studies and their clinical significance is uncertain. In summary, the available evidence is currently insufficient to determine the role of this variant in disease. Therefore, it has been classified as a Variant of Uncertain Significance.

NM_001384140.1(PCDH15):c.2082G>C (p.Arg694Ser)

Gene: PCDH15 (protocadherin related 15; minus strand). Cytogenetic location: 10q21.1.
Variant type: single nucleotide variant.
Coding change: c.2082G>C on transcript NM_001384140.1 (MANE Select); coding-DNA position 2082, G replaced by C.
Protein change: p.Arg694Ser; replaces arginine 694 with serine.
Molecular consequence: missense variant.
Genome position (GRCh38, 1-based): chr10:54,079,340, C>G on the plus strand (G>C on the coding strand, the complement: PCDH15 is on the minus strand). VCF-style: chr10-54079340-C-G. GRCh37 (hg19) VCF-style: chr10-55839100-C-G.
Other names: c.2097G>C, p.Arg699Ser (NM_001142763.2, NM_001142771.2); c.2082G>C, p.Arg694Ser (NM_001142764.2, NM_001142766.2, NM_001142770.3 and 5 more transcripts); c.1869G>C, p.Arg623Ser (NM_001142765.2); c.1971G>C, p.Arg657Ser (NM_001142767.2); c.2016G>C, p.Arg672Ser (NM_001142768.2, NM_001142773.2, NM_001354404.2); c.2118G>C, p.Arg706Ser (NM_001142769.4); c.2103G>C, p.Arg701Ser (NM_001354411.2); short protein forms R672S, R694S, R623S, R657S, R699S, R701S, R706S.
Identifiers: ClinVar variation 2149361 (VCV002149361.1), dbSNP rs756484846, ClinGen allele CA376520660.